The following is an entry in ClinVar:

NM_001458.5(FLNC):c.1434C>T (p.Arg478=)

Gene: FLNC (filamin C; plus strand). Cytogenetic location: 7q32.1.
Variant type: single nucleotide variant.
Coding change: c.1434C>T on transcript NM_001458.5 (MANE Select); coding-DNA position 1434, C replaced by T.
Protein change: p.Arg478=; no amino-acid change (arginine 478 retained).
Molecular consequence: synonymous variant.
Genome position (GRCh38, 1-based): chr7:128,840,045, C>T. VCF-style: chr7-128840045-C-T. GRCh37 (hg19) VCF-style: chr7-128480099-C-T.
Other names: c.1434C>T, p.Arg478= (NM_001127487.2).
Identifiers: ClinVar variation 390849 (VCV000390849.26), dbSNP rs201810745, ClinGen allele CA4474347.

ClinVar aggregate classification (germline): Likely benign. Review status: criteria provided, multiple submitters, no conflicts (2 of 4 stars). 11 submissions from 11 submitters: Likely benign (7). 4 of the submissions do not count toward it. Last evaluated 2026-03-27.

Conditions:
Myofibrillar myopathy 5. Also called: Filaminopathy (type); FILAMINOPATHY, AUTOSOMAL DOMINANT. Identifiers: Orphanet 171445, MedGen C1836050, MONDO:0012289, OMIM 609524.
Distal myopathy with posterior leg and anterior hand involvement. Also called: WILLIAMS DISTAL MYOPATHY. Identifiers: Orphanet 63273, MedGen C3279722, MONDO:0013550, OMIM 614065.
Hypertrophic cardiomyopathy 26. Also called: Cardiomyopathy, familial hypertrophic, 26. Identifiers: Orphanet 75249, MedGen C4310749, MONDO:0014883, OMIM 617047.
FLNC-related disorder. Also called: FLNC-related condition; FLNC-related disorders.
Cardiovascular phenotype. Identifiers: MedGen CN230736.
Cardiomyopathy (CMYO). Also called: Cardiomyopathies. Identifiers: Orphanet 167848, MedGen C0878544, MONDO:0004994, HP:0001638. Inheritance: Various modes of inheritance.

Allele frequency attached by ClinVar (database versions not stated): ExAC 0.00012; gnomAD exomes 0.00013 and 0.00023; TOPMed 0.00015; 1000 Genomes Project 30x 0.00016; gnomAD 0.00019 and 0.00023; 1000 Genomes Project 0.00020; ESP Exome Variant Server 0.00041.
gnomAD v4.1: 362 of 1,613,930 alleles (0.022%); highest among the groups gnomAD compares: Non-Finnish European, 0.028%; no homozygotes.

Submissions (11):

Molecular Diagnostic Laboratory for Inherited Cardiovascular Disease, Montreal Heart Institute
Classification: Likely benign. Last evaluated: 2026-03-27. Review status: criteria provided, single submitter. Criteria: ACMG Guidelines, 2015. Collection method: clinical testing. Allele origin: germline. Affected: no.

Labcorp Genetics (formerly Invitae), Labcorp
Classification: Likely benign for Distal myopathy with posterior leg and anterior hand involvement; Myofibrillar myopathy 5; Hypertrophic cardiomyopathy 26. Last evaluated: 2026-01-31. Review status: criteria provided, single submitter. Criteria: Invitae Variant Classification Sherloc (09022015). Collection method: clinical testing. Allele origin: germline.

PreventionGenetics, part of Exact Sciences
Classification: Likely benign for FLNC-related condition. Last evaluated: 2025-07-28. Review status: criteria provided, single submitter. Criteria: ACMG Guidelines, 2015. Collection method: clinical testing. Allele origin: germline.
Comment: This variant is classified as likely benign based on ACMG/AMP sequence variant interpretation guidelines (Richards et al. 2015 PMID: 25741868, with internal and published modifications).

Blueprint Genetics
Classification: Likely benign. Last evaluated: 2024-03-27. Review status: criteria provided, single submitter. Criteria: ACMG Guidelines, 2015. Collection method: clinical testing. Allele origin: germline.

CHEO Genetics Diagnostic Laboratory, Children's Hospital of Eastern Ontario
Classification: Likely benign for Cardiomyopathy. Last evaluated: 2023-05-16. Review status: criteria provided, single submitter. Criteria: ACMG Guidelines, 2015. Collection method: clinical testing. Allele origin: germline.

Ambry Genetics
Classification: Likely benign for Cardiovascular phenotype. Last evaluated: 2019-07-18. Review status: criteria provided, single submitter. Criteria: Ambry Variant Classification Scheme 2023. Collection method: clinical testing. Allele origin: germline.

GeneDx
Classification: Likely benign. Last evaluated: 2016-11-16. Review status: criteria provided, single submitter. Criteria: GeneDx Variant Classification (06012015). Collection method: clinical testing. Allele origin: germline. Affected: yes.
Comment: This variant is considered likely benign or benign based on one or more of the following criteria: it is a conservative change, it occurs at a poorly conserved position in the protein, it is predicted to be benign by multiple in silico algorithms, and/or has population frequency not consistent with disease.

Clinical Genetics DNA and cytogenetics Diagnostics Lab, Erasmus MC, Erasmus Medical Center
Classification: Likely benign. Review status: no assertion criteria provided. Collection method: clinical testing. Allele origin: germline. Affected: yes. Study: VKGL Data-share Consensus. Not counted in ClinVar's aggregate classification.

Clinical Genetics, Academic Medical Center
Classification: Benign. Review status: no assertion criteria provided. Collection method: clinical testing. Allele origin: germline. Affected: yes. Study: VKGL Data-share Consensus. Not counted in ClinVar's aggregate classification.

Joint Genome Diagnostic Labs from Nijmegen and Maastricht, Radboudumc and MUMC+
Classification: Likely benign. Review status: no assertion criteria provided. Collection method: clinical testing. Allele origin: germline. Affected: yes. Study: VKGL Data-share Consensus. Not counted in ClinVar's aggregate classification.

Laboratory of Diagnostic Genome Analysis, Leiden University Medical Center (LUMC)
Classification: Likely benign. Review status: no assertion criteria provided. Collection method: clinical testing. Allele origin: germline. Affected: yes. Study: VKGL Data-share Consensus. Not counted in ClinVar's aggregate classification.